The following is an entry in ClinVar:

NM_003737.4(DCHS1):c.8254C>T (p.Pro2752Ser)

Gene: DCHS1 (dachsous cadherin-related 1; minus strand). Cytogenetic location: 11p15.4.
Variant type: single nucleotide variant.
Coding change: c.8254C>T on transcript NM_003737.4 (MANE Select); coding-DNA position 8254, C replaced by T.
Protein change: p.Pro2752Ser; replaces proline 2752 with serine.
Molecular consequence: missense variant.
Genome position (GRCh38, 1-based): chr11:6,623,422, G>A on the plus strand (C>T on the coding strand, the complement: DCHS1 is on the minus strand). VCF-style: chr11-6623422-G-A. GRCh37 (hg19) VCF-style: chr11-6644653-G-A.
Other names: short protein forms P2752S.
Identifiers: ClinVar variation 3677529 (VCV003677529.2).

ClinVar aggregate classification (germline): Uncertain significance (1 of 4 stars; one submission).

Submission:

Labcorp Genetics (formerly Invitae), Labcorp
Classification: Uncertain significance. Last evaluated: 2024-04-09. Review status: criteria provided, single submitter. Criteria: Invitae Variant Classification Sherloc (09022015). Collection method: clinical testing. Allele origin: germline.
Comment: This sequence change replaces proline, which is neutral and non-polar, with serine, which is neutral and polar, at codon 2752 of the DCHS1 protein (p.Pro2752Ser). This variant is not present in population databases (gnomAD no frequency). This variant has not been reported in the literature in individuals affected with DCHS1-related conditions. Advanced modeling of protein sequence and biophysical properties (such as structural, functional, and spatial information, amino acid conservation, physicochemical variation, residue mobility, and thermodynamic stability) performed at Invitae indicates that this missense variant is not expected to disrupt DCHS1 protein function with a negative predictive value of 80%. In summary, the available evidence is currently insufficient to determine the role of this variant in disease. Therefore, it has been classified as a Variant of Uncertain Significance.